The following is an entry in ClinVar:

ClinVar aggregate classification (germline): Uncertain significance (1 of 4 stars; one submission).

Submission:

Labcorp Genetics (formerly Invitae), Labcorp
Classification: Uncertain significance. Last evaluated: 2024-04-29. Review status: criteria provided, single submitter. Criteria: Invitae Variant Classification Sherloc (09022015). Collection method: clinical testing. Allele origin: germline.
Comment: This sequence change falls in intron 4 of the ATRN gene. It does not directly change the encoded amino acid sequence of the ATRN protein. It affects a nucleotide within the consensus splice site. This variant is not present in population databases (gnomAD no frequency). This variant has not been reported in the literature in individuals affected with ATRN-related conditions. Variants that disrupt the consensus splice site are a relatively common cause of aberrant splicing (PMID: 17576681, 9536098). Algorithms developed to predict the effect of sequence changes on RNA splicing suggest that this variant is not likely to affect RNA splicing. In summary, the available evidence is currently insufficient to determine the role of this variant in disease. Therefore, it has been classified as a Variant of Uncertain Significance.

Literature cited by the submitters: PubMed 17576681; PubMed 9536098.

NM_139321.3(ATRN):c.737+3A>G

Gene: ATRN (attractin; plus strand). Cytogenetic location: 20p13.
Variant type: single nucleotide variant.
Coding change: c.737+3A>G on transcript NM_139321.3 (MANE Select); 3 bases into the intron after coding-DNA position 737, A replaced by G.
Molecular consequence: intron variant.
Genome position (GRCh38, 1-based): chr20:3,545,893, A>G. VCF-style: chr20-3545893-A-G. GRCh37 (hg19) VCF-style: chr20-3526540-A-G.
Other names: c.737+3A>G (NM_001323332.2, NM_139322.4); c.389+3A>G (NM_001207047.3).
Identifiers: ClinVar variation 3650885 (VCV003650885.2).